The following is an entry in ClinVar:

ClinVar aggregate classification (germline): Likely benign (1 of 4 stars; one submission).

Allele frequency attached by ClinVar (database versions not stated): ExAC 0.00071; 1000 Genomes Project 0.00120; 1000 Genomes Project 30x 0.00156; gnomAD 0.00227; ESP Exome Variant Server 0.00277.
gnomAD v4.1: 721 of 1,604,754 alleles (0.045%); highest among the groups gnomAD compares: African/African-American, 0.79%; 5 homozygotes.

Submission:

CeGaT Center for Human Genetics Tuebingen
Classification: Likely benign. Last evaluated: 2023-02-01. Review status: criteria provided, single submitter. Criteria: CeGaT Center For Human Genetics Tuebingen Variant Classification Criteria Version 2. Collection method: clinical testing. Allele origin: germline. Affected: yes. Observed: 1 variant allele.
Comment: HSPA4L: BS2

NM_014278.4(HSPA4L):c.539C>T (p.Ala180Val)

Gene: HSPA4L (heat shock protein family A (Hsp70) member 4 like; plus strand). Cytogenetic location: 4q28.1.
Variant type: single nucleotide variant.
Coding change: c.539C>T on transcript NM_014278.4 (MANE Select); coding-DNA position 539, C replaced by T.
Protein change: p.Ala180Val; replaces alanine 180 with valine.
Molecular consequence: missense variant.
Genome position (GRCh38, 1-based): chr4:127,801,794, C>T. VCF-style: chr4-127801794-C-T. GRCh37 (hg19) VCF-style: chr4-128722949-C-T.
Other names: c.632C>T, p.Ala211Val (NM_001317381.2); c.461C>T, p.Ala154Val (NM_001317382.2); c.416C>T, p.Ala139Val (NM_001317383.2); short protein forms A139V, A154V, A180V, A211V.
Identifiers: ClinVar variation 2655089 (VCV002655089.24), dbSNP rs137878800, ClinGen allele CA3075917.